The following is an entry in ClinVar:

ClinVar aggregate classification (germline): Likely pathogenic (1 of 4 stars; one submission).

Conditions:
Intellectual developmental disorder, autosomal dominant 6, with or without seizures. Also called: GRIN2B-related developmental delay, intellectual disability and autism spectrum disorder; Intellectual disability, autosomal dominant 6. Identifiers: Orphanet 589547, MedGen C3151411, MONDO:0013509, OMIM 613970.

Submission:

Greenwood Genetic Center Diagnostic Laboratories, Greenwood Genetic Center
Classification: Likely pathogenic for Intellectual developmental disorder, autosomal dominant 6, with or without seizures. Last evaluated: 2023-04-13. Review status: criteria provided, single submitter. Criteria: ACMG Guidelines, 2015. Collection method: clinical testing. Allele origin: germline. Affected: yes.
Comment: PVS1, PM2

NM_000834.5(GRIN2B):c.1308C>A (p.Cys436Ter)

Gene: GRIN2B (glutamate ionotropic receptor NMDA type subunit 2B; minus strand). Cytogenetic location: 12p13.1.
Variant type: single nucleotide variant.
Coding change: c.1308C>A on transcript NM_000834.5 (MANE Select); coding-DNA position 1308, C replaced by A.
Protein change: p.Cys436Ter; replaces cysteine 436 with a stop codon.
Molecular consequence: nonsense.
Genome position (GRCh38, 1-based): chr12:13,616,475, G>T on the plus strand (C>A on the coding strand, the complement: GRIN2B is on the minus strand). VCF-style: chr12-13616475-G-T. GRCh37 (hg19) VCF-style: chr12-13769409-G-T.
Other names: c.1308C>A, p.Cys436Ter (NM_001413992.1); short protein forms C436*.
Identifiers: ClinVar variation 2572326 (VCV002572326.1), dbSNP rs992479287, ClinGen allele CA384052481.